The following is an entry in ClinVar:

ClinVar aggregate classification (germline): Uncertain significance (1 of 4 stars; one submission).

gnomAD v4.1: 1 of 1,614,224 alleles (0.000062%); highest among the groups gnomAD compares: Non-Finnish European, 0.000085%; no homozygotes.

Submission:

Athena Diagnostics
Classification: Uncertain significance. Last evaluated: 2024-05-20. Review status: criteria provided, single submitter. Criteria: Athena Diagnostics Criteria. Collection method: clinical testing. Allele origin: unknown.
Comment: Available data are insufficient to determine the clinical significance of the variant at this time. This variant has not been reported in large, multi-ethnic general populations. Polyphen and MutationTaster predict this amino acid change may be benign.

NM_173500.4(TTBK2):c.3220T>C (p.Phe1074Leu)

Gene: TTBK2 (tau tubulin kinase 2; minus strand). Cytogenetic location: 15q15.2.
Variant type: single nucleotide variant.
Coding change: c.3220T>C on transcript NM_173500.4 (MANE Select); coding-DNA position 3220, T replaced by C.
Protein change: p.Phe1074Leu; replaces phenylalanine 1074 with leucine.
Molecular consequence: missense variant.
Genome position (GRCh38, 1-based): chr15:42,752,026, A>G on the plus strand (T>C on the coding strand, the complement: TTBK2 is on the minus strand). VCF-style: chr15-42752026-A-G. GRCh37 (hg19) VCF-style: chr15-43044224-A-G.
Other names: short protein forms F1074L.
Identifiers: ClinVar variation 3571699 (VCV003571699.1).